The following is an entry in ClinVar:

NM_002480.3(PPP1R12A):c.2509C>T (p.Pro837Ser)

Gene: PPP1R12A (protein phosphatase 1 regulatory subunit 12A; minus strand). Cytogenetic location: 12q21.2.
Variant type: single nucleotide variant.
Coding change: c.2509C>T on transcript NM_002480.3 (MANE Select); coding-DNA position 2509, C replaced by T.
Protein change: p.Pro837Ser; replaces proline 837 with serine.
Molecular consequence: missense variant.
Genome position (GRCh38, 1-based): chr12:79,795,712, G>A on the plus strand (C>T on the coding strand, the complement: PPP1R12A is on the minus strand). VCF-style: chr12-79795712-G-A. GRCh37 (hg19) VCF-style: chr12-80189492-G-A.
Other names: c.2509C>T, p.Pro837Ser (NM_001143885.2, NM_001244990.2); c.2248C>T, p.Pro750Ser (NM_001143886.2); c.2341C>T, p.Pro781Ser (NM_001244992.1); short protein forms P750S, P781S, P837S.
Identifiers: ClinVar variation 2643189 (VCV002643189.24), dbSNP rs769122856, ClinGen allele CA6699410.
Genomic context (GRCh38, chr12:79,795,712, plus strand): 5'-ATGAAACTCCTGTAGATCTTCTTTTCTCTCTTGGTCGTCGTCGTTCTCTGATTGATTTAG[G>A]TTGTGATTTATCTTCTCCTTCTTTCTCCTCTTCTCTTTTTTCTCCCTCTGTTAAGGATTG-3'
Protein context (NP_002471.1, residues 827-847): EEKEGEDKSQ[Pro837Ser]KSIRERRRPR

ClinVar aggregate classification (germline): Likely benign (1 of 4 stars; one submission).

Allele frequency attached by ClinVar (database versions not stated): ExAC 0.00001.
gnomAD v4.1: 1 of 1,611,450 alleles (0.000062%); highest among the groups gnomAD compares: Non-Finnish European, 0.000085%; no homozygotes.

Submission:

CeGaT Center for Human Genetics Tuebingen
Classification: Likely benign. Last evaluated: 2022-08-01. Review status: criteria provided, single submitter. Criteria: CeGaT Center For Human Genetics Tuebingen Variant Classification Criteria Version 2. Collection method: clinical testing. Allele origin: germline. Affected: yes. Observed: 1 variant allele.
Comment: PPP1R12A: BP4